The following is an entry in ClinVar:

NM_002691.4(POLD1):c.463+6T>G

Gene: POLD1 (DNA polymerase delta 1, catalytic subunit; plus strand). Cytogenetic location: 19q13.33.
Variant type: single nucleotide variant.
Coding change: c.463+6T>G on transcript NM_002691.4 (MANE Select); 6 bases into the intron after coding-DNA position 463, T replaced by G.
Molecular consequence: intron variant.
Genome position (GRCh38, 1-based): chr19:50,401,930, T>G. VCF-style: chr19-50401930-T-G. GRCh37 (hg19) VCF-style: chr19-50905187-T-G.
Other names: c.463+6T>G (LRG_785t1, NM_001256849.1, NM_001308632.1 and 1 more transcripts).
Identifiers: ClinVar variation 469355 (VCV000469355.13), dbSNP rs759315897, ClinGen allele CA658658858.
Genomic context (GRCh38, chr19:50,401,930, plus strand): 5'-GTCTGCTGCCACATCCACGGCTTCGCTCCCTACTTCTACACCCCAGCGCCCCCTGGTGAG[T>G]GGCCCCTACCCAGCCCCTCCCTGAGCCACTGGAGCCCCCTGCACCTCTGATCATCCCTCC-3'

ClinVar aggregate classification (germline): Conflicting classifications of pathogenicity. Review status: criteria provided, conflicting classifications (1 of 4 stars). 3 submissions from 3 submitters: Uncertain significance (2); Likely benign (1). Last evaluated 2025-11-12.

Conditions:
POLD1-related polyposis and colorectal cancer syndrome (CRCS10). Also called: Colorectal cancer 10; COLORECTAL CANCER, SUSCEPTIBILITY TO, ON CHROMOSOME 19q; Colorectal cancer, susceptibility to, 10. Identifiers: Orphanet 220460, MedGen C2675481, MONDO:0012953, OMIM 612591.

Allele frequency attached by ClinVar (database versions not stated): TOPMed 0.00001.
gnomAD v4.1: 1 of 1,613,870 alleles (0.000062%); highest among the groups gnomAD compares: Non-Finnish European, 0.000085%; no homozygotes.

Submissions (3):

Labcorp Genetics (formerly Invitae), Labcorp
Classification: Uncertain significance for POLD1-related polyposis and colorectal cancer syndrome. Last evaluated: 2025-11-12. Review status: criteria provided, single submitter. Criteria: Invitae Variant Classification Sherloc (09022015). Collection method: clinical testing. Allele origin: germline.
Comment: This sequence change falls in intron 4 of the POLD1 gene. It does not directly change the encoded amino acid sequence of the POLD1 protein. RNA analysis indicates that this variant induces altered splicing and likely results in a shortened protein product. This variant is not present in population databases (gnomAD no frequency). This variant has not been reported in the literature in individuals affected with POLD1-related conditions. ClinVar contains an entry for this variant (Variation ID: 469355). Variants that disrupt the consensus splice site are a relatively common cause of aberrant splicing (PMID: 17576681, 9536098). Studies have shown that this variant results in skipping of exon 4, but is expected to preserve the integrity of the reading-frame (internal data). In summary, the available evidence is currently insufficient to determine the role of this variant in disease. Therefore, it has been classified as a Variant of Uncertain Significance.

Women's Health and Genetics/Laboratory Corporation of America, LabCorp
Classification: Uncertain significance. Last evaluated: 2021-10-27. Review status: criteria provided, single submitter. Criteria: LabCorp Variant Classification Summary - May 2015. Collection method: clinical testing. Allele origin: germline.

GeneDx
Classification: Likely benign. Last evaluated: 2020-03-23. Review status: criteria provided, single submitter. Criteria: GeneDx Variant Classification Process June 2021. Collection method: clinical testing. Allele origin: germline. Affected: yes.

Literature cited by the submitters: PubMed 17576681 (cited by Labcorp Genetics (formerly Invitae), Labcorp); PubMed 9536098 (cited by Labcorp Genetics (formerly Invitae), Labcorp).